The following is an entry in ClinVar:

NM_000303.3(PMM2):c.95T>G (p.Leu32Arg)

Gene: PMM2 (phosphomannomutase 2; plus strand). Cytogenetic location: 16p13.2.
Variant type: single nucleotide variant.
Coding change: c.95T>G on transcript NM_000303.3 (MANE Select); coding-DNA position 95, T replaced by G.
Protein change: p.Leu32Arg; replaces leucine 32 with arginine.
Molecular consequence: missense variant.
Genome position (GRCh38, 1-based): chr16:8,801,827, T>G. VCF-style: chr16-8801827-T-G. GRCh37 (hg19) VCF-style: chr16-8895684-T-G.
Other names: short protein forms L32R.
Identifiers: ClinVar variation 7721 (VCV000007721.7), dbSNP rs104894533, ClinGen allele CA340690.
Genomic context (GRCh38, chr16:8,801,827, plus strand): 5'-ATGACTGTTGTATTTTCTTTCTTGAAATTTAGAAAATTACCAAAGAAATGGATGACTTCC[T>G]ACAAAAATTGAGGCAGAAGATCAAAATCGGAGTGGTAGGCGGATCGGACTTTGAGAAAGT-3'
Protein context (NP_000294.1, residues 22-42): QKITKEMDDF[Leu32Arg]QKLRQKIKIG

ClinVar aggregate classification (germline): Pathogenic. Review status: criteria provided, single submitter (1 of 4 stars). 3 submissions from 3 submitters: Pathogenic (1). 2 of the submissions do not count toward it. Last evaluated 2024-04-01.

Conditions:
PMM2-congenital disorder of glycosylation. Also called: JAEKEN SYNDROME; CDG Ia; Congenital disorder of glycosylation, type Ia; PHOSPHOMANNOMUTASE 2 DEFICIENCY; CARBOHYDRATE-DEFICIENT GLYCOPROTEIN SYNDROME, TYPE Ia; PMM2-CDG. Identifiers: Orphanet 79318, MedGen C0349653, MONDO:0008907, OMIM 212065.

Allele frequency attached by ClinVar (database versions not stated): gnomAD exomes 0.00001; TOPMed below 0.00001; ExAC 0.00001.
gnomAD v4.1: 64 of 1,611,138 alleles (0.004%); highest among the groups gnomAD compares: Non-Finnish European, 0.0054%; no homozygotes.

Submissions (3):

Women's Health and Genetics/Laboratory Corporation of America, LabCorp
Classification: Pathogenic for PMM2-congenital disorder of glycosylation. Last evaluated: 2024-04-01. Review status: criteria provided, single submitter. Criteria: LabCorp Variant Classification Summary - May 2015. Collection method: clinical testing. Allele origin: germline.
Comment: Variant summary: PMM2 c.95T>G (p.Leu32Arg) results in a non-conservative amino acid change in the encoded protein sequence. Five of five in-silico tools predict a damaging effect of the variant on protein function. The variant allele was found at a frequency of 8e-06 in 248518 control chromosomes (gnomAD). c.95T>G has been reported in the literature in multiple individuals affected with Congenital Disorder Of Glycosylation Type 1a (examples: Coman_2007, Bortot_2019, Parrado_2022). These data indicate that the variant is very likely to be associated with disease. The following publications have been ascertained in the context of this evaluation (PMID: 34420056, 16435227, 31115488). ClinVar contains an entry for this variant (Variation ID: 7721). Based on the evidence outlined above, the variant was classified as pathogenic.

OMIM
Classification: Pathogenic for CONGENITAL DISORDER OF GLYCOSYLATION, TYPE Ia. Last evaluated: 2000-08-01. Review status: no assertion criteria provided. Collection method: literature only. Allele origin: germline. Not counted in ClinVar's aggregate classification.

GeneReviews
No classification provided. Condition: PMM2-congenital disorder of glycosylation. Review status: no classification provided. Collection method: literature only. Allele origin: germline. Affected: yes. Not counted in ClinVar's aggregate classification.

Literature cited by the submitters: PubMed 16435227 (cited by Women's Health and Genetics/Laboratory Corporation of America, LabCorp); PubMed 31115488 (cited by Women's Health and Genetics/Laboratory Corporation of America, LabCorp); PubMed 34420056 (cited by Women's Health and Genetics/Laboratory Corporation of America, LabCorp); PubMed 10922383 (cited by OMIM); NCBI Bookshelf NBK1110 (cited by GeneReviews).